The following is an entry in ClinVar:

ClinVar aggregate classification (germline): Uncertain significance (1 of 4 stars; one submission).

Submission:

Dasa
Classification: Uncertain significance. Last evaluated: 2025-06-04. Review status: criteria provided, single submitter. Criteria: DASA Assertion Criteria. Collection method: clinical testing. Allele origin: germline.
Comment: NM_015021.3(ZNF292):c.4397T>C (p.Leu1466Ser) is a missense variant that results in the substitution of leucine with serine. This variant is absent from population databases. Computational prediction algorithms are consistent with a benign effect. The currently available literature and clinical evidence are not sufficient to establish a definitive association between this variant and the reported condition. Therefore, this variant is classified as a variant of uncertain significance.

NM_015021.3(ZNF292):c.4397T>C (p.Leu1466Ser)

Gene: ZNF292 (zinc finger protein 292; plus strand). Cytogenetic location: 6q14.3.
Variant type: single nucleotide variant.
Coding change: c.4397T>C on transcript NM_015021.3 (MANE Select); coding-DNA position 4397, T replaced by C.
Protein change: p.Leu1466Ser; replaces leucine 1466 with serine.
Molecular consequence: missense variant.
Genome position (GRCh38, 1-based): chr6:87,258,026, T>C. VCF-style: chr6-87258026-T-C. GRCh37 (hg19) VCF-style: chr6-87967744-T-C.
Other names: c.3977T>C, p.Leu1326Ser (NM_001351444.2); short protein forms L1326S, L1466S.
Identifiers: ClinVar variation 4881170 (VCV004881170.2).